The following is an entry in ClinVar:

ClinVar aggregate classification (germline): Conflicting classifications of pathogenicity. Review status: criteria provided, conflicting classifications (1 of 4 stars). 4 submissions from 4 submitters: Uncertain significance (3); Benign (1). Last evaluated 2026-06-26.

Conditions:
SMARCA4-related disorder. Also called: SMARCA4-related condition.
Hereditary cancer-predisposing syndrome. Also called: Neoplastic Syndromes, Hereditary; Tumor predisposition; Hereditary Cancer Syndrome; Hereditary neoplastic syndrome. Identifiers: Orphanet 140162, MedGen C0027672, MeSH D009386, MONDO:0015356.
Rhabdoid tumor predisposition syndrome 2 (RTPS2). Identifiers: Orphanet 231108, Orphanet 69077, MedGen C2750074, MONDO:0013224, OMIM 613325.

Allele frequency attached by ClinVar (database versions not stated): gnomAD 0.00001; gnomAD exomes 0.00001; TOPMed 0.00001; ExAC 0.00002.
gnomAD v4.1: 18 of 1,602,918 alleles (0.0011%); highest among the groups gnomAD compares: Non-Finnish European, 0.0015%; no homozygotes.

Submissions (4):

PreventionGenetics, part of Exact Sciences
Classification: Uncertain significance for SMARCA4-related condition. Last evaluated: 2026-06-26. Review status: criteria provided, single submitter. Criteria: ACMG Guidelines, 2015. Collection method: clinical testing. Allele origin: germline.
Comment: The SMARCA4 c.4235G>A variant is predicted to result in the amino acid substitution p.Arg1412His. To our knowledge, this variant has not been reported in the literature. This variant is reported in 0.00095% of alleles in individuals of European (Non-Finnish) descent in gnomAD. This variant has conflicting interpretations in ClinVar ranging from uncertain to likely benign (Variation ID: 408635). At this time, the clinical significance of this variant is uncertain due to the absence of conclusive functional and genetic evidence.

Labcorp Genetics (formerly Invitae), Labcorp
Classification: Uncertain significance for Rhabdoid tumor predisposition syndrome 2. Last evaluated: 2026-01-16. Review status: criteria provided, single submitter. Criteria: Invitae Variant Classification Sherloc (09022015). Collection method: clinical testing. Allele origin: germline.
Comment: This sequence change replaces arginine, which is basic and polar, with histidine, which is basic and polar, at codon 1412 of the SMARCA4 protein (p.Arg1412His). The frequency data for this variant in the population databases is considered unreliable, as metrics indicate poor data quality at this position in the gnomAD database. This variant has not been reported in the literature in individuals affected with SMARCA4-related conditions. ClinVar contains an entry for this variant (Variation ID: 408635). An algorithm developed to predict the effect of missense changes on protein structure and function (PolyPhen-2) suggests that this variant is likely to be tolerated. In summary, the available evidence is currently insufficient to determine the role of this variant in disease. Therefore, it has been classified as a Variant of Uncertain Significance.

Ambry Genetics
Classification: Benign for Hereditary cancer-predisposing syndrome. Last evaluated: 2026-01-14. Review status: criteria provided, single submitter. Criteria: Ambry Variant Classification Scheme 2023. Collection method: clinical testing. Allele origin: germline.

Quest Diagnostics Nichols Institute San Juan Capistrano
Classification: Uncertain significance. Last evaluated: 2023-03-09. Review status: criteria provided, single submitter. Criteria: Quest Diagnostics criteria. Collection method: clinical testing. Allele origin: unknown.
Comment: The variant has not been reported in the published literature. The frequency of this variant in the general population, 0.0000043 (1/233712 chromosomes), is uninformative in assessment of its pathogenicity. Analysis of this variant using bioinformatics tools for the prediction of the effect of amino acid changes on protein structure and function yielded conflicting predictions that this variant is benign or damaging. Based on the available information, we are unable to determine the clinical significance of this variant.

NM_001387283.1(SMARCA4):c.4235G>A (p.Arg1412His)

Gene: SMARCA4 (SWI/SNF related BAF chromatin remodeling complex subunit ATPase 4; plus strand). Cytogenetic location: 19p13.2.
Variant type: single nucleotide variant.
Coding change: c.4235G>A on transcript NM_001387283.1 (MANE Plus Clinical); coding-DNA position 4235, G replaced by A.
Protein change: p.Arg1412His; replaces arginine 1412 with histidine.
Molecular consequence: missense variant. On other transcripts: intron variant (7).
Genome position (GRCh38, 1-based): chr19:11,039,522, G>A. VCF-style: chr19-11039522-G-A. GRCh37 (hg19) VCF-style: chr19-11150198-G-A.
Other names: c.4235G>A, p.Arg1412His (NM_001128849.3); c.4171-1785G>A (NM_001128844.3, NM_003072.5); c.4072-1785G>A (NM_001128847.4, NM_001374457.1, NM_001128848.2); c.4072-1776G>A (NM_001128845.2, NM_001128846.2); short protein forms R1412H.
Identifiers: ClinVar variation 408635 (VCV000408635.21), dbSNP rs769555654, ClinGen allele CA9204638.